The following is an entry in ClinVar:

NM_000214.3(JAG1):c.3568C>A (p.Pro1190Thr)

Gene: JAG1 (jagged canonical Notch ligand 1; minus strand). Cytogenetic location: 20p12.2.
Variant type: single nucleotide variant.
Coding change: c.3568C>A on transcript NM_000214.3 (MANE Select); coding-DNA position 3568, C replaced by A.
Protein change: p.Pro1190Thr; replaces proline 1190 with threonine.
Molecular consequence: missense variant.
Genome position (GRCh38, 1-based): chr20:10,639,587, G>T on the plus strand (C>A on the coding strand, the complement: JAG1 is on the minus strand). VCF-style: chr20-10639587-G-T. GRCh37 (hg19) VCF-style: chr20-10620235-G-T.
Other names: short protein forms P1190T.
Identifiers: ClinVar variation 4977910 (VCV004977910.1).
Genomic context (GRCh38, chr20:10,639,587, plus strand): 5'-TCTGGGCACTTTCCAAGTCTCTGTTGTCCTGTTTGTTTGTCCAGTTTGGGTGTTTTGTCG[G>T]CGTGCCGTTGGGGGGCTTCTCTTCTCTGTCTACCAGCGTGTACGCCGGCTGCTTGGCAAA-3'
Protein context (NP_000205.1, residues 1180-1200): DREEKPPNGT[Pro1190Thr]TKHPNWTNKQ

ClinVar aggregate classification (germline): Uncertain significance (1 of 4 stars; one submission).

Conditions:
JAG1-related disorder. Also called: JAG1-related condition; JAG1-related disorders.

Submission:

PreventionGenetics, part of Exact Sciences
Classification: Uncertain significance for JAG1-related condition. Last evaluated: 2025-03-19. Review status: criteria provided, single submitter. Criteria: ACMG Guidelines, 2015. Collection method: clinical testing. Allele origin: germline.
Comment: The JAG1 c.3568C>A variant is predicted to result in the amino acid substitution p.Pro1190Thr. To our knowledge, this variant has not been reported in the literature or in a large population database (gnomAD), indicating this variant is rare. At this time, the clinical significance of this variant is uncertain due to the absence of conclusive functional and genetic evidence.